The following is an entry in ClinVar:

NM_014795.4(ZEB2):c.916+4A>T

Gene: ZEB2 (zinc finger E-box binding homeobox 2; minus strand). Cytogenetic location: 2q22.3.
Variant type: single nucleotide variant.
Coding change: c.916+4A>T on transcript NM_014795.4 (MANE Select); 4 bases into the intron after coding-DNA position 916, A replaced by T.
Molecular consequence: intron variant.
Genome position (GRCh38, 1-based): chr2:144,401,195, T>A on the plus strand (A>T on the coding strand, the complement: ZEB2 is on the minus strand). VCF-style: chr2-144401195-T-A. GRCh37 (hg19) VCF-style: chr2-145158762-T-A.
Other names: c.844+4A>T (NM_001171653.2).
Identifiers: ClinVar variation 2430465 (VCV002430465.1), dbSNP rs2549107841, ClinGen allele CA2580063885.
Genomic context (GRCh38, chr2:144,401,195, plus strand): 5'-ATCTTTTAAAACTCCCCTAATTAAGTAAAATGCAAATGCGAGCTCCAGCACCTCTGCTAC[T>A]CACCACTGTGAATTCGCAGGTGTTCTTTCAGATGGTGTTTATATTTGAAGGCCTTGCCAC-3'

ClinVar aggregate classification (germline): Uncertain significance (1 of 4 stars; one submission).

Submission:

GeneDx
Classification: Uncertain significance. Last evaluated: 2022-08-22. Review status: criteria provided, single submitter. Criteria: GeneDx Variant Classification Process June 2021. Collection method: clinical testing. Allele origin: germline. Affected: yes.
Comment: Not observed at significant frequency in large population cohorts (gnomAD); In silico analysis supports a deleterious effect on splicing; Has not been previously published as pathogenic or benign to our knowledge